The following is an entry in ClinVar:

NM_005045.4(RELN):c.3845C>T (p.Ser1282Leu)

Gene: RELN (reelin; minus strand). Cytogenetic location: 7q22.1.
Variant type: single nucleotide variant.
Coding change: c.3845C>T on transcript NM_005045.4 (MANE Select); coding-DNA position 3845, C replaced by T.
Protein change: p.Ser1282Leu; replaces serine 1282 with leucine.
Molecular consequence: missense variant.
Genome position (GRCh38, 1-based): chr7:103,593,749, G>A on the plus strand (C>T on the coding strand, the complement: RELN is on the minus strand). VCF-style: chr7-103593749-G-A. GRCh37 (hg19) VCF-style: chr7-103234196-G-A.
Other names: c.3845C>T, p.Ser1282Leu (NM_173054.3); short protein forms S1282L.
Identifiers: ClinVar variation 2952138 (VCV002952138.3), dbSNP rs2484792420, ClinGen allele CA368757148.

ClinVar aggregate classification (germline): Uncertain significance (1 of 4 stars; one submission).

Conditions:
Norman-Roberts syndrome (LIS2). Also called: Lissencephaly 2 (Norman-Roberts type). Identifiers: Orphanet 89844, MedGen C0796089, MONDO:0009760, OMIM 257320.
Familial temporal lobe epilepsy 7. Identifiers: Orphanet 101046, MedGen C4225327, MONDO:0014639, OMIM 616436.

Submission:

Labcorp Genetics (formerly Invitae), Labcorp
Classification: Uncertain significance for Familial temporal lobe epilepsy 7; Norman-Roberts syndrome. Last evaluated: 2025-01-06. Review status: criteria provided, single submitter. Criteria: Invitae Variant Classification Sherloc (09022015). Collection method: clinical testing. Allele origin: germline.
Comment: This sequence change replaces serine, which is neutral and polar, with leucine, which is neutral and non-polar, at codon 1282 of the RELN protein (p.Ser1282Leu). This variant is not present in population databases (gnomAD no frequency). This variant has not been reported in the literature in individuals affected with RELN-related conditions. ClinVar contains an entry for this variant (Variation ID: 2952138). Invitae Evidence Modeling of protein sequence and biophysical properties (such as structural, functional, and spatial information, amino acid conservation, physicochemical variation, residue mobility, and thermodynamic stability) indicates that this missense variant is not expected to disrupt RELN protein function with a negative predictive value of 80%. In summary, the available evidence is currently insufficient to determine the role of this variant in disease. Therefore, it has been classified as a Variant of Uncertain Significance.